The following is an entry in ClinVar:

ClinVar aggregate classification (germline): Uncertain significance. Review status: criteria provided, multiple submitters, no conflicts (2 of 4 stars). 2 submissions from 2 submitters: Uncertain significance (2). Last evaluated 2025-04-12.

Conditions:
Nemaline myopathy 2 (NEM2). Also called: Nemaline myopathy 2, autosomal recessive. Identifiers: MedGen C1850569, MONDO:0009725, OMIM 256030.
Inborn genetic diseases. Identifiers: MedGen C0950123, MeSH D030342.

Allele frequency attached by ClinVar (database versions not stated): TOPMed 0.00001; gnomAD exomes below 0.00001; ExAC 0.00002.
gnomAD v4.1: 2 of 1,603,046 alleles (0.00012%); highest among the groups gnomAD compares: Admixed American, 0.0017%; no homozygotes.

Submissions (2):

Ambry Genetics
Classification: Uncertain significance for Inborn genetic diseases. Last evaluated: 2025-04-12. Review status: criteria provided, single submitter. Criteria: Ambry Variant Classification Scheme 2023. Collection method: clinical testing. Allele origin: germline.

Labcorp Genetics (formerly Invitae), Labcorp
Classification: Uncertain significance for Nemaline myopathy 2. Last evaluated: 2022-04-10. Review status: criteria provided, single submitter. Criteria: Invitae Variant Classification Sherloc (09022015). Collection method: clinical testing. Allele origin: germline.
Comment: This sequence change replaces valine, which is neutral and non-polar, with methionine, which is neutral and non-polar, at codon 7339 of the NEB protein (p.Val7339Met). The frequency data for this variant in the population databases is considered unreliable, as metrics indicate poor data quality at this position in the gnomAD database. This variant has not been reported in the literature in individuals affected with NEB-related conditions. Algorithms developed to predict the effect of missense changes on protein structure and function are either unavailable or do not agree on the potential impact of this missense change (SIFT: "Deleterious"; PolyPhen-2: "Not Available"; Align-GVGD: "Class C0"). In summary, the available evidence is currently insufficient to determine the role of this variant in disease. Therefore, it has been classified as a Variant of Uncertain Significance.

NM_001164508.2(NEB):c.21910G>A (p.Val7304Met)

Genes: NEB (nebulin; minus strand), RIF1 (replication timing regulatory factor 1; plus strand). Cytogenetic location: 2q23.3.
Variant type: single nucleotide variant.
Coding change: c.21910G>A on transcript NM_001164508.2 (MANE Select); coding-DNA position 21910, G replaced by A.
Protein change: p.Val7304Met; replaces valine 7304 with methionine.
Molecular consequence: missense variant.
Genome position (GRCh38, 1-based): chr2:151,526,953, C>T on the plus strand (G>A on the coding strand, the complement: NEB is on the minus strand). VCF-style: chr2-151526953-C-T. GRCh37 (hg19) VCF-style: chr2-152383467-C-T.
Other names: c.21910G>A, p.Val7304Met (NM_001164507.2); c.22015G>A, p.Val7339Met (NM_001271208.2); c.16807G>A, p.Val5603Met (NM_004543.5); c.16807G>A (NM_004543.4); short protein forms V5603M, V7339M, V7304M.
Identifiers: ClinVar variation 2146023 (VCV002146023.2), dbSNP rs755660001, ClinGen allele CA1906837.